The following is an entry in ClinVar:

ClinVar aggregate classification (germline): Uncertain significance (1 of 4 stars; one submission).

Conditions:
Primary dilated cardiomyopathy (DCM). Also called: Dilated Cardiomyopathy. Identifiers: Orphanet 217604, MedGen C0007193, MeSH D002311, MONDO:0005021, HP:0001644. Inheritance: Various modes of inheritance.

Submission:

Labcorp Genetics (formerly Invitae), Labcorp
Classification: Uncertain significance for Primary dilated cardiomyopathy. Last evaluated: 2024-09-02. Review status: criteria provided, single submitter. Criteria: Invitae Variant Classification Sherloc (09022015). Collection method: clinical testing. Allele origin: germline.
Comment: This sequence change replaces glycine, which is neutral and non-polar, with glutamic acid, which is acidic and polar, at codon 172 of the FHL2 protein (p.Gly172Glu). This variant is not present in population databases (gnomAD no frequency). This variant has not been reported in the literature in individuals affected with FHL2-related conditions. Invitae Evidence Modeling of protein sequence and biophysical properties (such as structural, functional, and spatial information, amino acid conservation, physicochemical variation, residue mobility, and thermodynamic stability) indicates that this missense variant is not expected to disrupt FHL2 protein function with a negative predictive value of 80%. In summary, the available evidence is currently insufficient to determine the role of this variant in disease. Therefore, it has been classified as a Variant of Uncertain Significance.

NM_001318895.3(FHL2):c.515G>A (p.Gly172Glu)

Genes: C2orf49 (chromosome 2 open reading frame 49; plus strand), FHL2 (four and a half LIM domains 2; minus strand). Cytogenetic location: 2q12.2.
Variant type: single nucleotide variant.
Coding change: c.515G>A on transcript NM_001318895.3 (MANE Select); coding-DNA position 515, G replaced by A.
Protein change: p.Gly172Glu; replaces glycine 172 with glutamic acid.
Molecular consequence: missense variant.
Genome position (GRCh38, 1-based): chr2:105,363,458, C>T on the plus strand (G>A on the coding strand, the complement: FHL2 is on the minus strand). VCF-style: chr2-105363458-C-T. GRCh37 (hg19) VCF-style: chr2-105979915-C-T.
Other names: c.515G>A, p.Gly172Glu (NM_001039492.3, NM_001318894.1, NM_001318896.2 and 4 more transcripts); c.173G>A, p.Gly58Glu (NM_001318897.2, NM_001318898.2); c.191G>A, p.Gly64Glu (NM_001318899.2); short protein forms G58E, G172E, G64E.
Identifiers: ClinVar variation 3691104 (VCV003691104.2).